The following is an entry in ClinVar:

ClinVar aggregate classification (germline): Benign (1 of 4 stars; one submission).

Conditions:
Familial infantile myoclonic epilepsy (FIME). Also called: TBC1D24-Related Familial Infantile Myoclonic Epilepsy (FIME); Epilepsy, Myoclonic, Infantile. Identifiers: Orphanet 352582, MedGen C0917800, MONDO:0011506, OMIM 605021.

Allele frequency attached by ClinVar (database versions not stated): gnomAD exomes 0.00105; gnomAD 0.01990 and 0.02123; 1000 Genomes Project 0.02097; TOPMed 0.02122; 1000 Genomes Project 30x 0.02108.
gnomAD v4.1: 2,998 of 153,164 alleles (2%); highest among the groups gnomAD compares: African/African-American, 6.8%; 103 homozygotes.

Submission:

Illumina Laboratory Services, Illumina
Classification: Benign for Familial infantile myoclonic epilepsy. Last evaluated: 2018-01-13. Review status: criteria provided, single submitter. Criteria: ICSL Variant Classification Criteria 13 December 2019. Collection method: clinical testing. Allele origin: germline.
Comment: This variant was observed in the ICSL laboratory as part of a predisposition screen in an ostensibly healthy population. It had not been previously curated by ICSL or reported in the Human Gene Mutation Database (HGMD: prior to June 1st, 2018), and was therefore a candidate for classification through an automated scoring system. Utilizing variant allele frequency, disease prevalence and penetrance estimates, and inheritance mode, an automated score was calculated to assess if this variant is too frequent to cause the disease. Based on the score and internal cut-off values, a variant classified as benign is not then subjected to further curation. The score for this variant resulted in a classification of benign for this disease.

NM_001199107.2(TBC1D24):c.*1814G>C

Gene: TBC1D24 (TBC1 domain family member 24; plus strand). Cytogenetic location: 16p13.3.
Variant type: single nucleotide variant.
Coding change: c.*1814G>C on transcript NM_001199107.2 (MANE Select); 1814 bases downstream of the stop codon, G replaced by C.
Molecular consequence: 3 prime UTR variant.
Genome position (GRCh38, 1-based): chr16:2,502,772, G>C. VCF-style: chr16-2502772-G-C. GRCh37 (hg19) VCF-style: chr16-2552773-G-C.
Other names: c.*1814G>C (NM_020705.3).
Identifiers: ClinVar variation 318654 (VCV000318654.5), dbSNP rs28668740, ClinGen allele CA10637448.